The following is an entry in ClinVar:

ClinVar aggregate classification (germline): Conflicting classifications of pathogenicity. Review status: criteria provided, conflicting classifications (1 of 4 stars). 3 submissions from 3 submitters: Uncertain significance (2); Likely benign (1). Last evaluated 2025-11-13.

Conditions:
Long QT syndrome 6 (LQT6). Identifiers: Orphanet 101016, Orphanet 768, MedGen C3150953, MONDO:0013370, OMIM 613693.
Atrial fibrillation, familial, 4 (ATFB4). Identifiers: MedGen C1862394, MONDO:0012677, OMIM 611493.
Cardiovascular phenotype. Identifiers: MedGen CN230736.

Allele frequency attached by ClinVar (database versions not stated): gnomAD exomes 0.00001 and 0.00002; ExAC 0.00003; gnomAD 0.00008 and 0.00009; TOPMed 0.00009; ESP Exome Variant Server 0.00015.
gnomAD v4.1: 31 of 1,614,012 alleles (0.0019%); highest among the groups gnomAD compares: African/African-American, 0.032%; no homozygotes.

Submissions (3):

Labcorp Genetics (formerly Invitae), Labcorp
Classification: Uncertain significance for Long QT syndrome 6. Last evaluated: 2025-11-13. Review status: criteria provided, single submitter. Criteria: Invitae Variant Classification Sherloc (09022015). Collection method: clinical testing. Allele origin: germline.
Comment: This sequence change replaces alanine, which is neutral and non-polar, with threonine, which is neutral and polar, at codon 116 of the KCNE2 protein (p.Ala116Thr). This variant is present in population databases (rs150790888, gnomAD 0.03%). This variant has not been reported in the literature in individuals affected with KCNE2-related conditions. ClinVar contains an entry for this variant (Variation ID: 1390131). An algorithm developed to predict the effect of missense changes on protein structure and function (PolyPhen-2) suggests that this variant is likely to be disruptive. Algorithms developed to predict the effect of sequence changes on RNA splicing suggest that this variant may create or strengthen a splice site. In summary, the available evidence is currently insufficient to determine the role of this variant in disease. Therefore, it has been classified as a Variant of Uncertain Significance.

Ambry Genetics
Classification: Likely benign for Cardiovascular phenotype. Last evaluated: 2023-12-11. Review status: criteria provided, single submitter. Criteria: Ambry Variant Classification Scheme 2023. Collection method: clinical testing. Allele origin: germline.

Fulgent Genetics
Classification: Uncertain significance for Atrial fibrillation, familial, 4; Long QT syndrome 6. Last evaluated: 2021-07-23. Review status: criteria provided, single submitter. Criteria: ACMG Guidelines, 2015. Collection method: clinical testing. Allele origin: unknown.

Literature cited by the submitters: PubMed 10984545 (cited by Ambry Genetics).

NM_172201.2(KCNE2):c.346G>A (p.Ala116Thr)

Genes: KCNE2 (potassium voltage-gated channel subfamily E regulatory subunit 2; plus strand), LOC105372791 (uncharacterized LOC105372791; minus strand). Cytogenetic location: 21q22.11.
Variant type: single nucleotide variant.
Coding change: c.346G>A on transcript NM_172201.2 (MANE Select); coding-DNA position 346, G replaced by A.
Protein change: p.Ala116Thr; replaces alanine 116 with threonine.
Molecular consequence: missense variant.
Genome position (GRCh38, 1-based): chr21:34,370,824, G>A. VCF-style: chr21-34370824-G-A. GRCh37 (hg19) VCF-style: chr21-35743123-G-A.
Other names: short protein forms A116T.
Identifiers: ClinVar variation 1390131 (VCV001390131.11), dbSNP rs150790888, ClinGen allele CA10013444.